The following is an entry in ClinVar:

ClinVar aggregate classification (germline): Uncertain significance. Review status: criteria provided, multiple submitters, no conflicts (2 of 4 stars). 4 submissions from 4 submitters: Uncertain significance (4). Last evaluated 2024-11-30.

Conditions:
Fanconi anemia (FA). Also called: Fanconi's anemia. Identifiers: Orphanet 84, MedGen C0015625, MeSH D005199, MONDO:0019391.
Inborn genetic diseases. Identifiers: MedGen C0950123, MeSH D030342.

Allele frequency attached by ClinVar (database versions not stated): TOPMed below 0.00001.

Submissions (4):

Ambry Genetics
Classification: Uncertain significance for Inborn genetic diseases. Last evaluated: 2024-11-30. Review status: criteria provided, single submitter. Criteria: Ambry Variant Classification Scheme 2023. Collection method: clinical testing. Allele origin: germline.
Comment: The p.S1154G variant (also known as c.3460A>G), located in coding exon 14 of the FANCM gene, results from an A to G substitution at nucleotide position 3460. The serine at codon 1154 is replaced by glycine, an amino acid with similar properties. This amino acid position is conserved. In addition, this alteration is predicted to be tolerated by in silico analysis. Based on the available evidence, the clinical significance of this variant remains unclear.

Quest Diagnostics Nichols Institute San Juan Capistrano
Classification: Uncertain significance. Last evaluated: 2024-10-19. Review status: criteria provided, single submitter. Criteria: Quest Diagnostics criteria. Collection method: clinical testing. Allele origin: unknown.
Comment: The FANCM c.3460A>G (p.Ser1154Gly) variant has not been reported in individuals with FANCM-related conditions in the published literature. It also has not been reported in large, multi-ethnic general populations (Genome Aggregation Database). Analysis of this variant using bioinformatics tools for the prediction of the effect of amino acid changes on protein structure and function yielded predictions that this variant is benign. Based on the available information, we are unable to determine the clinical significance of this variant.

GeneDx
Classification: Uncertain significance. Last evaluated: 2024-02-20. Review status: criteria provided, single submitter. Criteria: GeneDx Variant Classification Process June 2021. Collection method: clinical testing. Allele origin: germline. Affected: yes.
Comment: Not observed at significant frequency in large population cohorts (gnomAD); In silico analysis supports that this missense variant does not alter protein structure/function; Has not been previously published as pathogenic or benign to our knowledge

Labcorp Genetics (formerly Invitae), Labcorp
Classification: Uncertain significance for Fanconi anemia. Last evaluated: 2023-09-26. Review status: criteria provided, single submitter. Criteria: Invitae Variant Classification Sherloc (09022015). Collection method: clinical testing. Allele origin: germline.
Comment: In summary, the available evidence is currently insufficient to determine the role of this variant in disease. Therefore, it has been classified as a Variant of Uncertain Significance. Algorithms developed to predict the effect of missense changes on protein structure and function output the following: SIFT: "Not Available"; PolyPhen-2: "Benign"; Align-GVGD: "Not Available". The glycine amino acid residue is found in multiple mammalian species, which suggests that this missense change does not adversely affect protein function. This variant has not been reported in the literature in individuals affected with FANCM-related conditions. This variant is not present in population databases (gnomAD no frequency). This sequence change replaces serine, which is neutral and polar, with glycine, which is neutral and non-polar, at codon 1154 of the FANCM protein (p.Ser1154Gly).

NM_020937.4(FANCM):c.3460A>G (p.Ser1154Gly)

Gene: FANCM (FA complementation group M; plus strand). Cytogenetic location: 14q21.2.
Variant type: single nucleotide variant.
Coding change: c.3460A>G on transcript NM_020937.4 (MANE Select); coding-DNA position 3460, A replaced by G.
Protein change: p.Ser1154Gly; replaces serine 1154 with glycine.
Molecular consequence: missense variant.
Genome position (GRCh38, 1-based): chr14:45,176,214, A>G. VCF-style: chr14-45176214-A-G. GRCh37 (hg19) VCF-style: chr14-45645417-A-G.
Other names: c.3382A>G, p.Ser1128Gly (NM_001308133.2); c.3460A>G (NM_020937.3); short protein forms S1128G, S1154G.
Identifiers: ClinVar variation 2693724 (VCV002693724.5), dbSNP rs1888682892, ClinGen allele CA389601646.